The following is an entry in ClinVar:

NM_001194998.2(CEP152):c.3852T>C (p.Tyr1284=)

Gene: CEP152 (centrosomal protein 152; minus strand). Cytogenetic location: 15q21.1.
Variant type: single nucleotide variant.
Coding change: c.3852T>C on transcript NM_001194998.2 (MANE Select); coding-DNA position 3852, T replaced by C.
Protein change: p.Tyr1284=; no amino-acid change (tyrosine 1284 retained).
Molecular consequence: synonymous variant.
Genome position (GRCh38, 1-based): chr15:48,742,084, A>G on the plus strand (T>C on the coding strand, the complement: CEP152 is on the minus strand). VCF-style: chr15-48742084-A-G. GRCh37 (hg19) VCF-style: chr15-49034281-A-G.
Other names: c.3852T>C (NM_001194998.1); c.3684T>C, p.Tyr1228= (NM_014985.4).
Identifiers: ClinVar variation 434728 (VCV000434728.37), dbSNP rs199898600, ClinGen allele CA7548246.

ClinVar aggregate classification (germline): Likely benign. Review status: criteria provided, multiple submitters, no conflicts (2 of 4 stars). 4 submissions from 4 submitters: Likely benign (3). 1 of the submissions does not count toward it. Last evaluated 2025-03-24.

Conditions:
CEP152-related disorder. Also called: CEP152-related condition; CEP152-related disorders. Identifiers: MedGen CN239248.

Allele frequency attached by ClinVar (database versions not stated): TOPMed 0.00007; ESP Exome Variant Server 0.00008; gnomAD 0.00008 and 0.00009; gnomAD exomes 0.00015 and 0.00019; ExAC 0.00023.
gnomAD v4.1: 241 of 1,613,998 alleles (0.015%); highest among the groups gnomAD compares: South Asian, 0.072%; no homozygotes.

Submissions (4):

Labcorp Genetics (formerly Invitae), Labcorp
Classification: Likely benign. Last evaluated: 2025-03-24. Review status: criteria provided, single submitter. Criteria: Invitae Variant Classification Sherloc (09022015). Collection method: clinical testing. Allele origin: germline.

CeGaT Center for Human Genetics Tuebingen
Classification: Likely benign. Last evaluated: 2022-11-01. Review status: criteria provided, single submitter. Criteria: CeGaT Center For Human Genetics Tuebingen Variant Classification Criteria Version 2. Collection method: clinical testing. Allele origin: germline. Affected: yes. Observed: 1 variant allele.
Comment: CEP152: BP4, BP7

Genetic Services Laboratory, University of Chicago
Classification: Likely benign. Last evaluated: 2016-02-26. Review status: criteria provided, single submitter. Criteria: ACMG Guidelines, 2015. Collection method: clinical testing. Allele origin: germline. Affected: no.

PreventionGenetics, part of Exact Sciences
Classification: Likely benign for CEP152-related condition. Last evaluated: 2024-08-12. Review status: no assertion criteria provided. Collection method: clinical testing. Allele origin: germline. Not counted in ClinVar's aggregate classification.
Comment: This variant is classified as likely benign based on ACMG/AMP sequence variant interpretation guidelines (Richards et al. 2015 PMID: 25741868, with internal and published modifications).